The following is an entry in ClinVar:

ClinVar aggregate classification (germline): Conflicting classifications of pathogenicity. Review status: criteria provided, conflicting classifications (1 of 4 stars). 3 submissions from 3 submitters: Uncertain significance (2); Benign (1). Last evaluated 2026-01-07.

Conditions:
Tuberous sclerosis 1 (TSC1). Identifiers: Orphanet 805, MedGen C1854465, MONDO:0008612, OMIM 191100.
Hereditary cancer-predisposing syndrome. Also called: Hereditary neoplastic syndrome; Neoplastic Syndromes, Hereditary; Hereditary Cancer Syndrome; Tumor predisposition. Identifiers: Orphanet 140162, MedGen C0027672, MeSH D009386, MONDO:0015356.

gnomAD v4.1: 17 of 1,614,106 alleles (0.0011%); highest among the groups gnomAD compares: Non-Finnish European, 0.0014%; no homozygotes.

Submissions (3):

Labcorp Genetics (formerly Invitae), Labcorp
Classification: Benign for Tuberous sclerosis 1. Last evaluated: 2026-01-07. Review status: criteria provided, single submitter. Criteria: Invitae Variant Classification Sherloc (09022015). Collection method: clinical testing. Allele origin: germline.

GeneDx
Classification: Uncertain significance. Last evaluated: 2025-08-05. Review status: criteria provided, single submitter. Criteria: GeneDx Variant Classification Process June 2021. Collection method: clinical testing. Allele origin: germline. Affected: yes.
Comment: Not observed at significant frequency in large population cohorts (gnomAD); In silico analysis supports that this missense variant has a deleterious effect on protein structure/function; Has not been previously published as pathogenic or benign to our knowledge

Ambry Genetics
Classification: Uncertain significance for Hereditary cancer-predisposing syndrome. Last evaluated: 2025-01-16. Review status: criteria provided, single submitter. Criteria: Ambry Variant Classification Scheme 2023. Collection method: clinical testing. Allele origin: germline.
Comment: The p.S521W variant (also known as c.1562C>G), located in coding exon 13 of the TSC1 gene, results from a C to G substitution at nucleotide position 1562. The serine at codon 521 is replaced by tryptophan, an amino acid with highly dissimilar properties. This amino acid position is well conserved in available vertebrate species. In addition, the in silico prediction for this alteration is inconclusive. Based on the available evidence, the clinical significance of this variant remains unclear.

NM_000368.5(TSC1):c.1562C>G (p.Ser521Trp)

Gene: TSC1 (TSC complex subunit 1; minus strand). Cytogenetic location: 9q34.13.
Variant type: single nucleotide variant.
Coding change: c.1562C>G on transcript NM_000368.5 (MANE Select); coding-DNA position 1562, C replaced by G.
Protein change: p.Ser521Trp; replaces serine 521 with tryptophan.
Molecular consequence: missense variant.
Genome position (GRCh38, 1-based): chr9:132,906,016, G>C on the plus strand (C>G on the coding strand, the complement: TSC1 is on the minus strand). VCF-style: chr9-132906016-G-C. GRCh37 (hg19) VCF-style: chr9-135781403-G-C.
Other names: c.1559C>G, p.Ser520Trp (NM_001162426.2); c.1409C>G, p.Ser470Trp (NM_001162427.2); c.1199C>G, p.Ser400Trp (NM_001362177.2); short protein forms S521W, S470W, S400W, S520W.
Identifiers: ClinVar variation 573416 (VCV000573416.12), dbSNP rs759379027, ClinGen allele CA375365080.
Genomic context (GRCh38, chr9:132,906,016, plus strand): 5'-TCCAGGGAGGAGTGTAAAGGCTCAGGGTTCACGCTGGCGCCCTGAGAACTGGAGGCTGCC[G>C]AGTGGGTCTTCCGCTGAGAACCTGGGAGACTGTCTCGGTAAAAGGGAGAGTCAAAGCCTC-3'
Protein context (NP_000359.1, residues 511-531): SLPGSQRKTH[Ser521Trp]AASSSQGASV